The following is an entry in ClinVar:

NM_001127222.2(CACNA1A):c.3883-15T>C

Genes: CACNA1A (calcium voltage-gated channel subunit alpha1 A; minus strand), LOC126862865 (CDK7 strongly-dependent group 2 enhancer GRCh37_chr19:13385818-13387017; plus strand). Cytogenetic location: 19p13.13.
Variant type: single nucleotide variant.
Coding change: c.3883-15T>C on transcript NM_001127222.2 (MANE Select); 15 bases into the intron before coding-DNA position 3883, T replaced by C.
Molecular consequence: intron variant.
Genome position (GRCh38, 1-based): chr19:13,275,971, A>G on the plus strand (T>C on the coding strand, the complement: CACNA1A is on the minus strand). VCF-style: chr19-13275971-A-G. GRCh37 (hg19) VCF-style: chr19-13386785-A-G.
Other names: c.3886-15T>C (NM_001127221.2, NM_001174080.2); c.3895-15T>C (NM_000068.4, NM_023035.3).
Identifiers: ClinVar variation 389106 (VCV000389106.10), dbSNP rs767715097, ClinGen allele CA9240150.

ClinVar aggregate classification (germline): Benign/Likely benign. Review status: criteria provided, multiple submitters, no conflicts (2 of 4 stars). 3 submissions from 3 submitters: Benign (1); Likely benign (2). Last evaluated 2025-12-10.

Conditions:
Episodic ataxia type 2 (EA2). Also called: ACETAZOLAMIDE-RESPONSIVE HEREDITARY PAROXYSMAL CEREBELLAR ATAXIA; ATAXIA, EPISODIC, WITH NYSTAGMUS; ATAXIA, FAMILIAL PAROXYSMAL; CEREBELLAR ATAXIA, PAROXYSMAL, ACETAZOLAMIDE-RESPONSIVE; CEREBELLOPATHY, HEREDITARY PAROXYSMAL; EPISODIC ATAXIA, NYSTAGMUS-ASSOCIATED. Identifiers: Orphanet 97, MedGen C1720416, MONDO:0007163, OMIM 108500.
Developmental and epileptic encephalopathy, 42 (DEE42A). Also called: Epileptic encephalopathy, early infantile, 42; DEVELOPMENTAL AND EPILEPTIC ENCEPHALOPATHY 42A; EPILEPTIC ENCEPHALOPATHY, EARLY INFANTILE, 42A. Identifiers: MedGen C4310716, MONDO:0014917, OMIM 617106.

Allele frequency attached by ClinVar (database versions not stated): TOPMed 0.00002; gnomAD exomes 0.00007 and 0.00015; gnomAD 0.00011; ExAC 0.00021.
gnomAD v4.1: 120 of 1,579,078 alleles (0.0076%); highest among the groups gnomAD compares: Non-Finnish European, 0.004%; no homozygotes.

Submissions (3):

Labcorp Genetics (formerly Invitae), Labcorp
Classification: Benign for Developmental and epileptic encephalopathy, 42; Episodic ataxia type 2. Last evaluated: 2025-12-10. Review status: criteria provided, single submitter. Criteria: Invitae Variant Classification Sherloc (09022015). Collection method: clinical testing. Allele origin: germline.

Blueprint Genetics
Classification: Likely benign. Last evaluated: 2022-12-22. Review status: criteria provided, single submitter. Criteria: ACMG Guidelines, 2015. Collection method: clinical testing. Allele origin: germline.

GeneDx
Classification: Likely benign. Last evaluated: 2016-09-15. Review status: criteria provided, single submitter. Criteria: GeneDx Variant Classification (06012015). Collection method: clinical testing. Allele origin: germline. Affected: yes.
Comment: This variant is considered likely benign or benign based on one or more of the following criteria: it is a conservative change, it occurs at a poorly conserved position in the protein, it is predicted to be benign by multiple in silico algorithms, and/or has population frequency not consistent with disease.